The following is an entry in ClinVar:

ClinVar aggregate classification (germline): Uncertain significance. Review status: criteria provided, multiple submitters, no conflicts (2 of 4 stars). 2 submissions from 2 submitters: Uncertain significance (2). Last evaluated 2025-12-31.

Conditions:
Primary dilated cardiomyopathy (DCM). Also called: Dilated Cardiomyopathy. Identifiers: Orphanet 217604, MedGen C0007193, MeSH D002311, MONDO:0005021, HP:0001644. Inheritance: Various modes of inheritance.
Hypertrophic cardiomyopathy. Also called: HYPERTROPHIC MYOCARDIOPATHY. Identifiers: Orphanet 217569, MedGen C0007194, MeSH D002312, MONDO:0005045, HP:0001639.

Allele frequency attached by ClinVar (database versions not stated): gnomAD 0.00003 and 0.00004; gnomAD exomes 0.00005; TOPMed 0.00007; ExAC 0.00001.
gnomAD v4.1: 74 of 1,614,068 alleles (0.0046%); highest among the groups gnomAD compares: Admixed American, 0.022%; no homozygotes.

Submissions (2):

Labcorp Genetics (formerly Invitae), Labcorp
Classification: Uncertain significance for Hypertrophic cardiomyopathy; Primary dilated cardiomyopathy. Last evaluated: 2025-12-31. Review status: criteria provided, single submitter. Criteria: Invitae Variant Classification Sherloc (09022015). Collection method: clinical testing. Allele origin: germline.
Comment: This sequence change replaces valine, which is neutral and non-polar, with methionine, which is neutral and non-polar, at codon 319 of the PDLIM3 protein (p.Val319Met). This variant is present in population databases (rs756047162, gnomAD 0.03%). This variant has not been reported in the literature in individuals affected with PDLIM3-related conditions. ClinVar contains an entry for this variant (Variation ID: 640817). Invitae Evidence Modeling of protein sequence and biophysical properties (such as structural, functional, and spatial information, amino acid conservation, physicochemical variation, residue mobility, and thermodynamic stability) indicates that this missense variant is not expected to disrupt PDLIM3 protein function with a negative predictive value of 80%. In summary, the available evidence is currently insufficient to determine the role of this variant in disease. Therefore, it has been classified as a Variant of Uncertain Significance.

Ambry Genetics
Classification: Uncertain significance. Last evaluated: 2025-02-08. Review status: criteria provided, single submitter. Criteria: Ambry Variant Classification Scheme 2023. Collection method: clinical testing. Allele origin: germline.

NM_014476.6(PDLIM3):c.955G>A (p.Val319Met)

Gene: PDLIM3 (PDZ and LIM domain 3; minus strand). Cytogenetic location: 4q35.1.
Variant type: single nucleotide variant.
Coding change: c.955G>A on transcript NM_014476.6 (MANE Select); coding-DNA position 955, G replaced by A.
Protein change: p.Val319Met; replaces valine 319 with methionine.
Molecular consequence: missense variant. On other transcripts: non-coding transcript variant (1).
Genome position (GRCh38, 1-based): chr4:185,502,434, C>T on the plus strand (G>A on the coding strand, the complement: PDLIM3 is on the minus strand). VCF-style: chr4-185502434-C-T. GRCh37 (hg19) VCF-style: chr4-186423588-C-T.
Other names: c.811G>A, p.Val271Met (NM_001114107.5); c.691G>A, p.Val231Met (NM_001257962.2); c.454G>A, p.Val152Met (NM_001257963.2); short protein forms V231M, V152M, V319M, V271M.
Identifiers: ClinVar variation 640817 (VCV000640817.11), dbSNP rs756047162, ClinGen allele CA3159623.